The following is an entry in ClinVar:

NM_001384900.1(SEMA3D):c.1926A>T (p.Arg642Ser)

Genes: SEMA3D (semaphorin 3D; minus strand), LOC126860094 (BRD4-independent group 4 enhancer GRCh37_chr7:84628763-84629962; plus strand). Cytogenetic location: 7q21.11.
Variant type: single nucleotide variant.
Coding change: c.1926A>T on transcript NM_001384900.1 (MANE Select); coding-DNA position 1926, A replaced by T.
Protein change: p.Arg642Ser; replaces arginine 642 with serine.
Molecular consequence: missense variant.
Genome position (GRCh38, 1-based): chr7:84,999,848, T>A on the plus strand (A>T on the coding strand, the complement: SEMA3D is on the minus strand). VCF-style: chr7-84999848-T-A. GRCh37 (hg19) VCF-style: chr7-84629164-T-A.
Other names: c.1926A>T, p.Arg642Ser (NM_001384901.1, NM_001384902.1, NM_001384903.1 and 1 more transcripts); short protein forms R642S.
Identifiers: ClinVar variation 4985750 (VCV004985750.1).

ClinVar aggregate classification (germline): Uncertain significance (1 of 4 stars; one submission).

Conditions:
SEMA3D-related disorder. Also called: SEMA3D-related condition.

gnomAD v4.1: 8 of 1,613,042 alleles (0.0005%); highest among the groups gnomAD compares: Non-Finnish European, 0.00068%; no homozygotes.

Submission:

PreventionGenetics, part of Exact Sciences
Classification: Uncertain significance for SEMA3D-related condition. Last evaluated: 2026-04-16. Review status: criteria provided, single submitter. Criteria: ACMG Guidelines, 2015. Collection method: clinical testing. Allele origin: germline.
Comment: The SEMA3D c.1926A>T variant is predicted to result in the amino acid substitution p.Arg642Ser. To our knowledge, this variant has not been reported in the literature. This variant is reported in 0.0016% of alleles in individuals of European (Non-Finnish) descent in gnomAD. At this time, the clinical significance of this variant is uncertain due to the absence of conclusive functional and genetic evidence.